The following is an entry in ClinVar:

ClinVar aggregate classification (germline): Uncertain significance (1 of 4 stars; one submission).

Conditions:
Chédiak-Higashi syndrome (CHS). Also called: Chediak-Higashi Syndrome. Identifiers: Orphanet 167, MedGen C0007965, MONDO:0008963, OMIM 214500.

gnomAD v4.1: 1 of 1,551,178 alleles (0.000064%); highest among the groups gnomAD compares: Non-Finnish European, 0.000088%; no homozygotes.

Submission:

Labcorp Genetics (formerly Invitae), Labcorp
Classification: Uncertain significance for Chédiak-Higashi syndrome. Last evaluated: 2022-10-24. Review status: criteria provided, single submitter. Criteria: Invitae Variant Classification Sherloc (09022015). Collection method: clinical testing. Allele origin: germline.
Comment: This sequence change replaces lysine, which is basic and polar, with glutamic acid, which is acidic and polar, at codon 1729 of the LYST protein (p.Lys1729Glu). This variant is not present in population databases (gnomAD no frequency). This variant has not been reported in the literature in individuals affected with LYST-related conditions. Advanced modeling of protein sequence and biophysical properties (such as structural, functional, and spatial information, amino acid conservation, physicochemical variation, residue mobility, and thermodynamic stability) performed at Invitae indicates that this missense variant is not expected to disrupt LYST protein function. In summary, the available evidence is currently insufficient to determine the role of this variant in disease. Therefore, it has been classified as a Variant of Uncertain Significance.

NM_000081.4(LYST):c.5185A>G (p.Lys1729Glu)

Gene: LYST (lysosomal trafficking regulator; minus strand). Cytogenetic location: 1q42.3.
Variant type: single nucleotide variant.
Coding change: c.5185A>G on transcript NM_000081.4 (MANE Select); coding-DNA position 5185, A replaced by G.
Protein change: p.Lys1729Glu; replaces lysine 1729 with glutamic acid.
Molecular consequence: missense variant.
Genome position (GRCh38, 1-based): chr1:235,780,894, T>C on the plus strand (A>G on the coding strand, the complement: LYST is on the minus strand). VCF-style: chr1-235780894-T-C. GRCh37 (hg19) VCF-style: chr1-235944194-T-C.
Other names: c.5185A>G, p.Lys1729Glu (NM_001301365.1); short protein forms K1729E.
Identifiers: ClinVar variation 2161846 (VCV002161846.4), dbSNP rs1441127812, ClinGen allele CA344955187.